The following is an entry in ClinVar:

ClinVar aggregate classification (germline): Uncertain significance (1 of 4 stars; one submission).

Conditions:
NFIX-related disorder. Also called: NFIX-related condition.

Submission:

PreventionGenetics, part of Exact Sciences
Classification: Uncertain significance for NFIX-related condition. Last evaluated: 2023-02-06. Review status: criteria provided, single submitter. Criteria: ACMG Guidelines, 2015. Collection method: clinical testing. Allele origin: germline.
Comment: The NFIX c.146C>T variant is predicted to result in the amino acid substitution p.Ser49Leu. To our knowledge, this variant has not been reported in the literature or in a large population database, indicating this variant is rare. At this time, the clinical significance of this variant is uncertain due to the absence of conclusive functional and genetic evidence.

NM_001365902.3(NFIX):c.146C>T (p.Ser49Leu)

Gene: NFIX (nuclear factor I X; plus strand). Cytogenetic location: 19p13.13.
Variant type: single nucleotide variant.
Coding change: c.146C>T on transcript NM_001365902.3 (MANE Select); coding-DNA position 146, C replaced by T.
Protein change: p.Ser49Leu; replaces serine 49 with leucine.
Molecular consequence: missense variant.
Genome position (GRCh38, 1-based): chr19:13,025,139, C>T. VCF-style: chr19-13025139-C-T. GRCh37 (hg19) VCF-style: chr19-13135953-C-T.
Other names: c.170C>T, p.Ser57Leu (NM_001271043.2); c.122C>T, p.Ser41Leu (NM_001271044.3, NM_001378404.1); c.146C>T, p.Ser49Leu (NM_001365982.2, NM_002501.4); c.5C>T, p.Ser2Leu (NM_001365983.2); c.143C>T, p.Ser48Leu (NM_001365984.2, NM_001365985.2); c.194C>T, p.Ser65Leu (NM_001378405.1); short protein forms S2L, S41L, S48L, S49L, S57L, S65L.
Identifiers: ClinVar variation 2630512 (VCV002630512.1), dbSNP rs2512743342, ClinGen allele CA404313396.